The following is an entry in ClinVar:

NM_000507.4(FBP1):c.114_119dup (p.Cys39_Thr40dup)

Gene: FBP1 (fructose-bisphosphatase 1; minus strand). Cytogenetic location: 9q22.32.
Variant type: Duplication.
Coding change: c.114_119dup on transcript NM_000507.4 (MANE Select); coding-DNA positions 114 to 119, 6 bases duplicated (CTGCAC; older notation c.114_119dupCTGCAC).
Protein change: p.Cys39_Thr40dup.
Molecular consequence: inframe insertion.
Genome position (GRCh38, 1-based): chr9:94,639,192-94,639,197, GTGCAG duplicated on the plus strand (CTGCAC on the coding strand, the reverse complement: FBP1 is on the minus strand). VCF-style (leftmost placement, unchanged base first): chr9-94639191-T-TGTGCAG. GRCh37 (hg19) VCF-style: chr9-97401473-T-TGTGCAG.
Other names: c.114_119dup (NM_000507.3); c.114_119dup, p.Cys39_Thr40dup (NM_001127628.2).
Identifiers: ClinVar variation 419848 (VCV000419848.6), dbSNP rs1554682769, ClinGen allele CA16618871.

ClinVar aggregate classification (germline): Conflicting classifications of pathogenicity. Review status: criteria provided, conflicting classifications (1 of 4 stars). 4 submissions from 4 submitters: Pathogenic (2); Likely pathogenic (1); Uncertain significance (1). Last evaluated 2024-03-26.

Conditions:
Fructose-biphosphatase deficiency (FBP1D). Also called: Fructose 1,6 Bisphosphatase Deficiency; Fructose-1,6-Bisphosphatase 1 Deficiency; Fructose-1,6-Diphosphatase Deficiency. Identifiers: Orphanet 348, MedGen C0016756, MONDO:0009251, OMIM 229700.

Submissions (4):

Genomic Medicine Center of Excellence, King Faisal Specialist Hospital and Research Centre
Classification: Uncertain significance for Fructose-biphosphatase deficiency. Last evaluated: 2024-03-26. Review status: criteria provided, single submitter. Criteria: ACMG Guidelines, 2015. Collection method: clinical testing. Allele origin: germline.

GeneDx
Classification: Likely pathogenic. Last evaluated: 2019-05-20. Review status: criteria provided, single submitter. Criteria: GeneDx Variant Classification Process June 2021. Collection method: clinical testing. Allele origin: germline. Affected: yes.
Comment: Not observed in large population cohorts (Lek et al., 2016); In-frame duplication of 2 amino acids in a non-repeat region; This variant is associated with the following publications: (PMID: 19259699, 32020156)

Pathology and Clinical Laboratory Medicine, King Fahad Medical City
Classification: Pathogenic for Fructose-biphosphatase deficiency. Review status: criteria provided, single submitter. Criteria: ACMG Guidelines, 2015. Collection method: clinical testing. Allele origin: germline. Affected: yes. Observed: 1 variant allele.

Pediatric/Medical Genetics, Ministry of Health, Qatif Central Hospital
Classification: Pathogenic for Fructose-biphosphatase deficiency. Review status: criteria provided, single submitter. Criteria: ACMG Guidelines, 2015. Collection method: clinical testing. Allele origin: germline. Inheritance: Autosomal recessive inheritance. Affected: yes.